The following is an entry in ClinVar:

NM_004360.5(CDH1):c.1565C>T (p.Thr522Ile)

Gene: CDH1 (cadherin 1; plus strand). Cytogenetic location: 16q22.1.
Variant type: single nucleotide variant.
Coding change: c.1565C>T on transcript NM_004360.5 (MANE Select); coding-DNA position 1565, C replaced by T.
Protein change: p.Thr522Ile; replaces threonine 522 with isoleucine.
Molecular consequence: missense variant. On other transcripts: 5 prime UTR variant (1).
Genome position (GRCh38, 1-based): chr16:68,815,759, C>T. VCF-style: chr16-68815759-C-T. GRCh37 (hg19) VCF-style: chr16-68849662-C-T.
Other names: NM_004360.5(CDH1):c.1565C>T; p.Thr522Ile; c.1565C>T (LRG_301t1); c.1382C>T, p.Thr461Ile (NM_001317184.2); c.17C>T, p.Thr6Ile (NM_001317185.2); c.-255C>T (NM_001317186.2); short protein forms T522I, T461I, T6I.
Identifiers: ClinVar variation 216588 (VCV000216588.36), dbSNP rs863224725, ClinGen allele CA337526.
Genomic context (GRCh38, chr16:68,815,759, plus strand): 5'-GCCAGGAAATCACATCCTACACTGCCCAGGAGCCAGACACATTTATGGAACAGAAAATAA[C>T]GTAAGTGTGAGGATTTTTCAACTGACTTGCAGCAACTGGTTATTTTATATCATTTTATAT-3'
Protein context (NP_004351.1, residues 512-532): EPDTFMEQKI[Thr522Ile]YRIWRDTANW

ClinVar aggregate classification (germline): Benign. Review status: reviewed by expert panel (3 of 4 stars). 12 submissions from 12 submitters: Benign (1). 11 of the submissions do not count toward it. Last evaluated 2023-08-03.

Conditions:
CDH1-related diffuse gastric and lobular breast cancer syndrome. Also called: CDH1-related diffuse gastric and lobular breast cancer. Identifiers: MedGen CN311521, MONDO:0100488.
CDH1-related disorder. Also called: CDH1-related condition.
Hereditary cancer-predisposing syndrome. Also called: Neoplastic Syndromes, Hereditary; Tumor predisposition; Hereditary Cancer Syndrome; Hereditary neoplastic syndrome. Identifiers: Orphanet 140162, MedGen C0027672, MeSH D009386, MONDO:0015356.
Hereditary diffuse gastric adenocarcinoma (HDGC). Also called: DIFFUSE GASTRIC AND LOBULAR BREAST CANCER SYNDROME. Identifiers: Orphanet 26106, MedGen C1708349, MONDO:0007648, OMIM 137215.

Allele frequency attached by ClinVar (database versions not stated): gnomAD 0.00001; gnomAD exomes 0.00001.
gnomAD v4.1: 12 of 1,614,042 alleles (0.00074%); highest among the groups gnomAD compares: East Asian, 0.0045%; no homozygotes.

Submissions (12):

Clingen Gastric Cancer Variant Curation Expert Panel
Classification: Benign for CDH1-related diffuse gastric and lobular breast cancer syndrome. Last evaluated: 2023-08-03. Review status: reviewed by expert panel. Criteria: ClinGen CDH1 ACMG Specifications V3.1. Collection method: curation. Allele origin: germline. Inheritance: Autosomal dominant inheritance.
Comment: The NM_004360.5(CDH1): c.1565C>T (p.Thr522Ile) variant has been observed in >10 individuals without a diagnosis of diffuse gastric cancer, signet ring tumor or lobular breast cancer and whose family histories do not suggest HDGC (BS2; internal laboratory contributors). This variant was observed in the homozygous state in 1 individual without personal and/or family history of DGC, LBC, or SRC tumors (BP2_strong; internal laboratory contributors). This variant is known in one family with HDGC criteria (ERN_GENTURIS). In summary, the clinical significance of this variant is classified as benign based on BS2 and BP2_strong. ACMG/AMP criteria applied, as specified by the CDH1 Variant Curation Expert Panel: BS2, BP2_strong. (CDH1 VCEP specifications version 3.1; 06/26/2023)

PreventionGenetics, part of Exact Sciences
Classification: Likely benign for CDH1-related condition. Last evaluated: 2026-02-03. Review status: criteria provided, single submitter. Criteria: ACMG Guidelines, 2015. Collection method: clinical testing. Allele origin: germline. Not counted in ClinVar's aggregate classification.
Comment: This variant is classified as likely benign based on ACMG/AMP sequence variant interpretation guidelines (Richards et al. 2015 PMID: 25741868, with internal and published modifications).

Labcorp Genetics (formerly Invitae), Labcorp
Classification: Benign for Hereditary diffuse gastric adenocarcinoma. Last evaluated: 2026-01-15. Review status: criteria provided, single submitter. Criteria: Invitae Variant Classification Sherloc (09022015). Collection method: clinical testing. Allele origin: germline. Not counted in ClinVar's aggregate classification.

Quest Diagnostics Nichols Institute San Juan Capistrano
Classification: Uncertain significance. Last evaluated: 2025-08-21. Review status: criteria provided, single submitter. Criteria: Quest Diagnostics criteria. Collection method: clinical testing. Allele origin: unknown. Not counted in ClinVar's aggregate classification.
Comment: The CDH1 c.1565C>T (p.Thr522Ile) variant has been reported in the published literature in individuals affected with breast cancer (PMID: 33471991 (2021), see also LOVD) and pancreatic ductal adenocarcinoma (PDAC) (PMID: 35171259 (2022)). This variant has also been identified in reportedly unaffected individuals (PMID: 29641532 (2018), 30287823 (2018), 33471991 (2021), see also LOVD, 36243179 (2022)). The frequency of this variant in the general population (Genome Aggregation Database) is uninformative in the assessment of its pathogenicity. Analysis of this variant using bioinformatics tools for the prediction of the effect of amino acid changes on protein structure and function yielded conflicting predictions that this variant is benign or damaging. Based on the available information, we are unable to determine the clinical significance of this variant.

Women's Health and Genetics/Laboratory Corporation of America, LabCorp
Classification: Likely benign. Last evaluated: 2025-07-28. Review status: criteria provided, single submitter. Criteria: LabCorp Variant Classification Summary - May 2015. Collection method: clinical testing. Allele origin: germline. Not counted in ClinVar's aggregate classification.
Comment: Variant summary: CDH1 c.1565C>T (p.Thr522Ile) results in a non-conservative amino acid change in the encoded protein sequence. Algorithms developed to predict the effect of missense changes on protein structure and function are either unavailable or do not agree on the potential impact of this missense change. Consensus agreement among computation tools predict no significant impact on normal splicing. However, these predictions have yet to be confirmed by functional studies. The variant allele was found at a frequency of 8e-06 in 251328 control chromosomes. The available data on variant occurrences in the general population are insufficient to allow any conclusion about variant significance. c.1565C>T has been reported in the literature in an individual affected with nonsyndromic oral clefts (Ittiwu_2016). These report(s) do not provide unequivocal conclusions about association of the variant with Hereditary Diffuse Gastric Cancer. To our knowledge, no experimental evidence demonstrating an impact on protein function has been reported. The following publications have been ascertained in the context of this evaluation (PMID: 27227907, 30287823, 29641532, 32260281, 25819062, 31209238, 31638429, 31340200, 35171259, 35982160, 26486520, 25445215, 35982159, 32321774, 36243179, 28583138, 19593635, 33328548, 33057194, 31206626). ClinVar contains an entry for this variant (Variation ID: 216588). Based on the evidence outlined above, the variant was classified as likely benign.

Ambry Genetics
Classification: Likely benign for Hereditary cancer-predisposing syndrome. Last evaluated: 2025-02-28. Review status: criteria provided, single submitter. Criteria: Ambry Variant Classification Scheme 2023. Collection method: clinical testing. Allele origin: germline. Not counted in ClinVar's aggregate classification.

Color Diagnostics, LLC DBA Color Health
Classification: Likely benign for Hereditary cancer-predisposing syndrome. Last evaluated: 2024-08-06. Review status: criteria provided, single submitter. Criteria: ACMG Guidelines, 2015. Collection method: clinical testing. Allele origin: germline. Not counted in ClinVar's aggregate classification.

Blueprint Genetics
Classification: Uncertain significance. Last evaluated: 2023-10-27. Review status: criteria provided, single submitter. Criteria: ACMG Guidelines, 2015. Collection method: clinical testing. Allele origin: germline. Not counted in ClinVar's aggregate classification.

Myriad Genetics, Inc.
Classification: Uncertain significance for Hereditary diffuse gastric adenocarcinoma. Last evaluated: 2023-03-03. Review status: criteria provided, single submitter. Criteria: Myriad Autosomal Dominant, Autosomal Recessive and X-Linked Classification Criteria (2023). Collection method: clinical testing. Allele origin: unknown. Not counted in ClinVar's aggregate classification.
Comment: This variant is classified as a variant of uncertain significance as there is insufficient evidence to determine its impact on protein function and/or cancer risk.

European Reference Network on Genetic Tumour Risk Syndromes (ERN-GENTURIS), i3s - Instituto de Investigação e Inovação em Saúde, University of Porto
Classification: Uncertain significance for Hereditary diffuse gastric adenocarcinoma. Last evaluated: 2022-08-01. Review status: criteria provided, single submitter. Criteria: Lee et al. (Hum Mutat. 2018). Collection method: clinical testing. Allele origin: germline. Inheritance: Autosomal dominant inheritance. Affected: yes. Study: ERN GENTURIS. Not counted in ClinVar's aggregate classification.
Comment: PS4_Supporting; PM2 (PMID: 30311375)

GeneDx
Classification: Likely benign. Last evaluated: 2021-05-12. Review status: criteria provided, single submitter. Criteria: GeneDx Variant Classification Process June 2021. Collection method: clinical testing. Allele origin: germline. Affected: yes. Not counted in ClinVar's aggregate classification.
Comment: In silico analysis, which includes protein predictors and evolutionary conservation, supports a deleterious effect; Observed in individuals with oral clefts, ichthyosis vulgaris or atopic dermatitis (Taylan 2015, Ittiwat 2016); This variant is associated with the following publications: (PMID: 31638429, 30287823, 19593635, 25819062, 27227907, 29641532)

Counsyl
Classification: Uncertain significance for Hereditary diffuse gastric adenocarcinoma. Last evaluated: 2016-03-17. Review status: no assertion criteria provided. Collection method: clinical testing. Allele origin: unknown. Not counted in ClinVar's aggregate classification.

Literature cited by the submitters: PubMed 29641532 (cited by 3 submitters); PubMed 30287823 (cited by 3 submitters); PubMed 35171259 (cited by Quest Diagnostics Nichols Institute San Juan Capistrano); PubMed 36436516 (cited by Quest Diagnostics Nichols Institute San Juan Capistrano and European Reference Network on Genetic Tumour Risk Syndromes (ERN-GENTURIS), i3s - Instituto de Investigação e Inovação em Saúde, University of Porto); PubMed 33471991 (cited by Quest Diagnostics Nichols Institute San Juan Capistrano); PubMed 36243179 (cited by Quest Diagnostics Nichols Institute San Juan Capistrano); PubMed 27227907 (cited by Women's Health and Genetics/Laboratory Corporation of America, LabCorp and Ambry Genetics); PubMed 32260281 (cited by Women's Health and Genetics/Laboratory Corporation of America, LabCorp); PubMed 25819062 (cited by Women's Health and Genetics/Laboratory Corporation of America, LabCorp).